The following is an entry in ClinVar:

ClinVar aggregate classification (germline): Conflicting classifications of pathogenicity. Review status: criteria provided, conflicting classifications (1 of 4 stars). 3 submissions from 3 submitters: Uncertain significance (1); Likely benign (2). Last evaluated 2024-02-09.

Conditions:
Hereditary cancer-predisposing syndrome. Also called: Neoplastic Syndromes, Hereditary; Hereditary neoplastic syndrome; Tumor predisposition; Hereditary Cancer Syndrome. Identifiers: Orphanet 140162, MedGen C0027672, MeSH D009386, MONDO:0015356.
Hereditary breast ovarian cancer syndrome. Also called: BRCA1- and BRCA2-Associated Hereditary Breast and Ovarian Cancer; Hereditary breast and ovarian cancer syndrome (HBOC); Hereditary breast and ovarian cancer syndrome; Hereditary breast and ovarian cancer; Breast and ovarian cancer; Hereditary breast and/or ovarian cancer syndrome. Identifiers: Orphanet 145, MedGen C0677776, MeSH D061325, MONDO:0003582. Disease mechanism: loss of function.
Familial cancer of breast. Also called: hereditary breast carcinoma; BREAST CANCER, FAMILIAL; Hereditary breast cancer. Identifiers: Orphanet 227535, MedGen C0346153, MONDO:0016419, OMIM 114480. Disease mechanism: loss of function.

gnomAD v4.1: 2 of 1,614,100 alleles (0.00012%); highest among the groups gnomAD compares: Non-Finnish European, 0.00017%; no homozygotes.

Submissions (3):

MGZ Medical Genetics Center
Classification: Likely benign for Familial cancer of breast. Last evaluated: 2024-02-09. Review status: criteria provided, single submitter. Criteria: CSpec BRCA1/2ACMG Rules Specifications V1.1.0. Collection method: clinical testing. Allele origin: germline. Affected: yes.
Comment: ACMG codes applied following ENIGMA VCEP rules: BP1_STR, PM2_SUP

University of Washington Department of Laboratory Medicine, University of Washington
Classification: Likely benign for Hereditary cancer-predisposing syndrome. Last evaluated: 2023-03-23. Review status: criteria provided, single submitter. Criteria: Dines et al. (Genet Med. 2020). Collection method: curation. Allele origin: germline.
Comment: Missense variant in a coldspot region where missense variants are very unlikely to be pathogenic (PMID:31911673).

BRCA1 coldspot (exon 11 using historical exon numbering). Reclassification based on statistical prior probability

Labcorp Genetics (formerly Invitae), Labcorp
Classification: Uncertain significance for Hereditary breast ovarian cancer syndrome. Last evaluated: 2021-01-11. Review status: criteria provided, single submitter. Criteria: Invitae Variant Classification Sherloc (09022015). Collection method: clinical testing. Allele origin: germline.
Comment: This variant has not been reported in the literature in individuals with BRCA1-related conditions. In summary, the available evidence is currently insufficient to determine the role of this variant in disease. Therefore, it has been classified as a Variant of Uncertain Significance. Experimental studies have shown that this variant does not affect mRNA splicing (PMID: 18273839). Advanced modeling of protein sequence and biophysical properties (such as structural, functional, and spatial information, amino acid conservation, physicochemical variation, residue mobility, and thermodynamic stability) performed at Invitae indicates that this missense variant is not expected to disrupt BRCA1 protein function. This variant is not present in population databases (ExAC no frequency). This sequence change replaces lysine with arginine at codon 690 of the BRCA1 protein (p.Lys690Arg). The lysine residue is moderately conserved and there is a small physicochemical difference between lysine and arginine.

Literature cited by the submitters: PubMed 18273839 (cited by Labcorp Genetics (formerly Invitae), Labcorp).

NM_007294.4(BRCA1):c.2069A>G (p.Lys690Arg)

Gene: BRCA1 (BRCA1 DNA repair associated; minus strand). Cytogenetic location: 17q21.31.
Variant type: single nucleotide variant.
Coding change: c.2069A>G on transcript NM_007294.4 (MANE Select); coding-DNA position 2069, A replaced by G.
Protein change: p.Lys690Arg; replaces lysine 690 with arginine.
Molecular consequence: missense variant. On other transcripts: intron variant (137).
Genome position (GRCh38, 1-based): chr17:43,093,462, T>C on the plus strand (A>G on the coding strand, the complement: BRCA1 is on the minus strand). VCF-style: chr17-43093462-T-C. GRCh37 (hg19) VCF-style: chr17-41245479-T-C.
Other names: c.1859A>G, p.Lys620Arg (NM_001407902.1, NM_001407904.1, NM_001407906.1 and 13 more transcripts); c.1856A>G, p.Lys619Arg (NM_001407915.1, NM_001407916.1, NM_001407917.1 and 9 more transcripts); c.1946A>G, p.Lys649Arg (NM_001407919.1, NM_001407648.1, NM_001407664.1 and 19 more transcripts); c.1805A>G, p.Lys602Arg (NM_001407920.1, NM_001407921.1, NM_001407922.1 and 9 more transcripts); c.2069A>G, p.Lys690Arg (NM_001407581.1, NM_001407582.1, NM_001407583.1 and 30 more transcripts); c.2066A>G, p.Lys689Arg (NM_001407587.1, NM_001407590.1, NM_001407591.1 and 22 more transcripts); c.2060A>G, p.Lys687Arg (NM_001407646.1, NM_001407647.1); c.1943A>G, p.Lys648Arg (NM_001407649.1, NM_001407670.1, NM_001407671.1 and 11 more transcripts); and 40 more; short protein forms K690R, K643R, K522R, K620R, K642R, K563R, K579R, K622R.
Identifiers: ClinVar variation 1395723 (VCV001395723.12), dbSNP rs2154401162, ClinGen allele CA10597865.